The following is an entry in ClinVar:

NM_004415.4(DSP):c.5735G>T (p.Arg1912Met)

Gene: DSP (desmoplakin; plus strand). Cytogenetic location: 6p24.3.
Variant type: single nucleotide variant.
Coding change: c.5735G>T on transcript NM_004415.4 (MANE Select); coding-DNA position 5735, G replaced by T.
Protein change: p.Arg1912Met; replaces arginine 1912 with methionine.
Molecular consequence: missense variant.
Genome position (GRCh38, 1-based): chr6:7,582,997, G>T. VCF-style: chr6-7582997-G-T. GRCh37 (hg19) VCF-style: chr6-7583230-G-T.
Other names: c.3938G>T, p.Arg1313Met (NM_001008844.3); c.4406G>T, p.Arg1469Met (NM_001319034.2); short protein forms R1912M, R1313M, R1469M.
Identifiers: ClinVar variation 4614040 (VCV004614040.1).
Genomic context (GRCh38, chr6:7,582,997, plus strand): 5'-AGAACAGTCTTAGGAGTGAGATCGAAAGACTCCAAGCAGAGATCAAGAGAATTGAAGAGA[G>T]GTGCAGGCGTAAGCTGGAGGATTCTACCAGGGAGACACAGTCACAGTTAGAAACAGAACG-3'
Protein context (NP_004406.2, residues 1902-1922): LQAEIKRIEE[Arg1912Met]CRRKLEDSTR

ClinVar aggregate classification (germline): Uncertain significance (1 of 4 stars; one submission).

Conditions:
Cardiovascular phenotype. Identifiers: MedGen CN230736.

Submission:

Ambry Genetics
Classification: Uncertain significance for Cardiovascular phenotype. Last evaluated: 2025-10-23. Review status: criteria provided, single submitter. Criteria: Ambry Variant Classification Scheme 2023. Collection method: clinical testing. Allele origin: germline.
Comment: The p.R1912M variant (also known as c.5735G>T), located in coding exon 24 of the DSP gene, results from a G to T substitution at nucleotide position 5735. The arginine at codon 1912 is replaced by methionine, an amino acid with similar properties. This amino acid position is conserved. In addition, the in silico prediction for this alteration is inconclusive. Based on the available evidence, the clinical significance of this variant remains unclear.